The following is an entry in ClinVar:

NM_020937.4(FANCM):c.4115G>T (p.Arg1372Ile)

Gene: FANCM (FA complementation group M; plus strand). Cytogenetic location: 14q21.2.
Variant type: single nucleotide variant.
Coding change: c.4115G>T on transcript NM_020937.4 (MANE Select); coding-DNA position 4115, G replaced by T.
Protein change: p.Arg1372Ile; replaces arginine 1372 with isoleucine.
Molecular consequence: missense variant.
Genome position (GRCh38, 1-based): chr14:45,176,869, G>T. VCF-style: chr14-45176869-G-T. GRCh37 (hg19) VCF-style: chr14-45646072-G-T.
Other names: c.4037G>T, p.Arg1346Ile (NM_001308133.2); short protein forms R1346I, R1372I.
Identifiers: ClinVar variation 949760 (VCV000949760.8), dbSNP rs1888742620, ClinGen allele CA389604371.
Genomic context (GRCh38, chr14:45,176,869, plus strand): 5'-AGATAAGAAAGGAAATACTTAAGACACCAGATTCTAGTAAGGAAAAAGTAAACCTACAAA[G>T]ATTCAAAGAAGCATTGAATTCAACTTTTGATTATTCAGAATTTTCTCTAGAAAAGTCTAA-3'
Protein context (NP_065988.1, residues 1362-1382): DSSKEKVNLQ[Arg1372Ile]FKEALNSTFD

ClinVar aggregate classification (germline): Uncertain significance (1 of 4 stars; one submission).

Conditions:
Fanconi anemia (FA). Also called: Fanconi's anemia. Identifiers: Orphanet 84, MedGen C0015625, MeSH D005199, MONDO:0019391.

Submission:

Labcorp Genetics (formerly Invitae), Labcorp
Classification: Uncertain significance for Fanconi anemia. Last evaluated: 2022-06-27. Review status: criteria provided, single submitter. Criteria: Invitae Variant Classification Sherloc (09022015). Collection method: clinical testing. Allele origin: germline.
Comment: This sequence change replaces arginine, which is basic and polar, with isoleucine, which is neutral and non-polar, at codon 1372 of the FANCM protein (p.Arg1372Ile). This variant is not present in population databases (gnomAD no frequency). This variant has not been reported in the literature in individuals affected with FANCM-related conditions. ClinVar contains an entry for this variant (Variation ID: 949760). Algorithms developed to predict the effect of missense changes on protein structure and function (SIFT, PolyPhen-2, Align-GVGD) all suggest that this variant is likely to be tolerated. In summary, the available evidence is currently insufficient to determine the role of this variant in disease. Therefore, it has been classified as a Variant of Uncertain Significance.